The following is an entry in ClinVar:

ClinVar aggregate classification (germline): Uncertain significance (1 of 4 stars; one submission).

Conditions:
Generalized epilepsy with febrile seizures plus, type 7 (GEFSP7). Also called: GEFS+, TYPE 7. Identifiers: Orphanet 36387, MedGen C2751778, MONDO:0013470, OMIM 613863.
Neuropathy, hereditary sensory and autonomic, type 2A (HSAN2A). Also called: HSAN IIA; MORVAN DISEASE; NEUROPATHY, CONGENITAL SENSORY; NEUROPATHY, HEREDITARY SENSORY RADICULAR, AUTOSOMAL RECESSIVE; NEUROPATHY, HEREDITARY SENSORY, TYPE IIA; NEUROPATHY, PROGRESSIVE SENSORY, OF CHILDREN. Identifiers: Orphanet 970, MedGen C2752089, MONDO:0024309, OMIM 201300.

Allele frequency attached by ClinVar (database versions not stated): TOPMed below 0.00001; ExAC 0.00001.
gnomAD v4.1: 4 of 1,610,586 alleles (0.00025%); highest among the groups gnomAD compares: Non-Finnish European, 0.00034%; no homozygotes.

Submission:

Labcorp Genetics (formerly Invitae), Labcorp
Classification: Uncertain significance for Neuropathy, hereditary sensory and autonomic, type 2A; Generalized epilepsy with febrile seizures plus, type 7. Last evaluated: 2025-02-11. Review status: criteria provided, single submitter. Criteria: Invitae Variant Classification Sherloc (09022015). Collection method: clinical testing. Allele origin: germline.
Comment: This sequence change replaces leucine, which is neutral and non-polar, with isoleucine, which is neutral and non-polar, at codon 314 of the SCN9A protein (p.Leu314Ile). This variant is present in population databases (rs776886490, gnomAD 0.002%). This variant has not been reported in the literature in individuals affected with SCN9A-related conditions. ClinVar contains an entry for this variant (Variation ID: 942402). Invitae Evidence Modeling of protein sequence and biophysical properties (such as structural, functional, and spatial information, amino acid conservation, physicochemical variation, residue mobility, and thermodynamic stability) indicates that this missense variant is not expected to disrupt SCN9A protein function with a negative predictive value of 95%. In summary, the available evidence is currently insufficient to determine the role of this variant in disease. Therefore, it has been classified as a Variant of Uncertain Significance.

NM_001365536.1(SCN9A):c.940C>A (p.Leu314Ile)

Genes: SCN1A-AS1 (SCN1A and SCN9A antisense RNA 1; plus strand), SCN9A (sodium voltage-gated channel alpha subunit 9; minus strand). Cytogenetic location: 2q24.3.
Variant type: single nucleotide variant.
Coding change: c.940C>A on transcript NM_001365536.1 (MANE Select); coding-DNA position 940, C replaced by A.
Protein change: p.Leu314Ile; replaces leucine 314 with isoleucine.
Molecular consequence: missense variant. On other transcripts: non-coding transcript variant (1).
Genome position (GRCh38, 1-based): chr2:166,294,624, G>T on the plus strand (C>A on the coding strand, the complement: SCN9A is on the minus strand). VCF-style: chr2-166294624-G-T. GRCh37 (hg19) VCF-style: chr2-167151134-G-T.
Other names: c.940C>A, p.Leu314Ile (NM_002977.4); short protein forms L314I.
Identifiers: ClinVar variation 942402 (VCV000942402.10), dbSNP rs776886490, ClinGen allele CA1944630.